The following is an entry in ClinVar:

ClinVar aggregate classification (germline): Uncertain significance. Review status: criteria provided, multiple submitters, no conflicts (2 of 4 stars). 2 submissions from 2 submitters: Uncertain significance (2). Last evaluated 2025-12-04.

Conditions:
GTP cyclohydrolase I deficiency. Identifiers: MedGen C0268467, MONDO:0100184.
Dystonia 5 (DRD). Also called: GTP Cyclohydrolase 1-Deficient Dopa-Responsive Dystonia; DYT-GCH1; Dystonia, DOPA-responsive, with or without hyperphenylalaninemia; DYSTONIA, PROGRESSIVE, WITH DIURNAL VARIATION; DYSTONIA-PARKINSONISM WITH DIURNAL FLUCTUATION. Identifiers: Orphanet 98808, MedGen C1851920, MONDO:0007495, OMIM 128230.
Inborn genetic diseases. Identifiers: MedGen C0950123, MeSH D030342.

Submissions (2):

Ambry Genetics
Classification: Uncertain significance for Inborn genetic diseases. Last evaluated: 2025-12-04. Review status: criteria provided, single submitter. Criteria: Ambry Variant Classification Scheme 2023. Collection method: clinical testing. Allele origin: germline.

Labcorp Genetics (formerly Invitae), Labcorp
Classification: Uncertain significance for GTP cyclohydrolase I deficiency; Dystonia 5. Last evaluated: 2023-09-15. Review status: criteria provided, single submitter. Criteria: Invitae Variant Classification Sherloc (09022015). Collection method: clinical testing. Allele origin: germline.
Comment: This variant is not present in population databases (gnomAD no frequency). This sequence change replaces serine, which is neutral and polar, with cysteine, which is neutral and slightly polar, at codon 80 of the GCH1 protein (p.Ser80Cys). This variant has not been reported in the literature in individuals affected with GCH1-related conditions. In summary, the available evidence is currently insufficient to determine the role of this variant in disease. Therefore, it has been classified as a Variant of Uncertain Significance. Advanced modeling of protein sequence and biophysical properties (such as structural, functional, and spatial information, amino acid conservation, physicochemical variation, residue mobility, and thermodynamic stability) performed at Invitae indicates that this missense variant is not expected to disrupt GCH1 protein function. ClinVar contains an entry for this variant (Variation ID: 1464351).

NM_000161.3(GCH1):c.238A>T (p.Ser80Cys)

Gene: GCH1 (GTP cyclohydrolase 1; minus strand). Cytogenetic location: 14q22.2.
Variant type: single nucleotide variant.
Coding change: c.238A>T on transcript NM_000161.3 (MANE Select); coding-DNA position 238, A replaced by T.
Protein change: p.Ser80Cys; replaces serine 80 with cysteine.
Molecular consequence: missense variant.
Genome position (GRCh38, 1-based): chr14:54,902,426, T>A on the plus strand (A>T on the coding strand, the complement: GCH1 is on the minus strand). VCF-style: chr14-54902426-T-A. GRCh37 (hg19) VCF-style: chr14-55369144-T-A.
Other names: c.238A>T (NM_000161.2); c.238A>T, p.Ser80Cys (NM_001024024.2, NM_001024070.2, NM_001024071.2); short protein forms S80C.
Identifiers: ClinVar variation 1464351 (VCV001464351.7), dbSNP rs2140127221, ClinGen allele CA389793834.